The following is an entry in ClinVar:

NM_173598.6(KSR2):c.1851+8T>C

Gene: KSR2 (kinase suppressor of ras 2; minus strand). Cytogenetic location: 12q24.22.
Variant type: single nucleotide variant.
Coding change: c.1851+8T>C on transcript NM_173598.6 (MANE Select); 8 bases into the intron after coding-DNA position 1851, T replaced by C.
Molecular consequence: intron variant.
Genome position (GRCh38, 1-based): chr12:117,527,063, A>G on the plus strand (T>C on the coding strand, the complement: KSR2 is on the minus strand). VCF-style: chr12-117527063-A-G. GRCh37 (hg19) VCF-style: chr12-117964868-A-G.
Identifiers: ClinVar variation 3354920 (VCV003354920.1).

ClinVar aggregate classification (germline): Likely benign (0 of 4 stars; one submission).

Conditions:
KSR2-related disorder. Also called: KSR2-related condition.

gnomAD v4.1: 18 of 1,613,164 alleles (0.0011%); highest among the groups gnomAD compares: Non-Finnish European, 0.0014%; no homozygotes.

Submission:

PreventionGenetics, part of Exact Sciences
Classification: Likely benign for KSR2-related condition. Last evaluated: 2024-01-22. Review status: no assertion criteria provided. Collection method: clinical testing. Allele origin: germline.
Comment: This variant is classified as likely benign based on ACMG/AMP sequence variant interpretation guidelines (Richards et al. 2015 PMID: 25741868, with internal and published modifications).